The following is an entry in ClinVar:

ClinVar aggregate classification (germline): Conflicting classifications of pathogenicity. Review status: criteria provided, conflicting classifications (1 of 4 stars). 4 submissions from 4 submitters: Likely pathogenic (2); Uncertain significance (2). Last evaluated 2026-09-01.

Conditions:
Adult hypophosphatasia. Identifiers: Orphanet 247676, Orphanet 436, MedGen C0268413, MONDO:1010154, OMIM 146300, MONDO:0007798.
Hypophosphatasia. Also called: Phosphoethanol-aminuria. Identifiers: Orphanet 436, MedGen C0020630, MeSH D007014, MONDO:0018570.

Submissions (4):

Genomenon, Inc
Classification: Likely pathogenic for Hypophosphatasia. Last evaluated: 2026-09-01. Review status: criteria provided, single submitter. Criteria: Genomenon Sequence Variant Interpretation Standards - Updated. Collection method: curation. Allele origin: germline. Affected: yes.
Comment: ALPL p.Gln444Arg (c.1331A>G) is a missense variant that changes the amino acid at codon 444 from Glutamine to Arginine. This variant has been observed in at least one proband affected with an ALPL-related disorder (PMID:39685776). At least one functional study has demonstrated a substantial alteration in protein function relative to the wild-type (PMID:40386289). It is absent or not present at a significant frequency in gnomAD. In silico models predict that this variant is possibly or probably damaging. In conclusion, we classify ALPL p.Gln444Arg (c.1331A>G) as a likely pathogenic variant.

Labcorp Genetics (formerly Invitae), Labcorp
Classification: Uncertain significance. Last evaluated: 2025-11-21. Review status: criteria provided, single submitter. Criteria: Invitae Variant Classification Sherloc (09022015). Collection method: clinical testing. Allele origin: germline.
Comment: This sequence change replaces glutamine, which is neutral and polar, with arginine, which is basic and polar, at codon 444 of the ALPL protein (p.Gln444Arg). This variant is not present in population databases (gnomAD no frequency). This variant has not been reported in the literature in individuals affected with ALPL-related conditions. ClinVar contains an entry for this variant (Variation ID: 976385). Invitae Evidence Modeling of protein sequence and biophysical properties (such as structural, functional, and spatial information, amino acid conservation, physicochemical variation, residue mobility, and thermodynamic stability) indicates that this missense variant is expected to disrupt ALPL protein function with a positive predictive value of 95%. In summary, the available evidence is currently insufficient to determine the role of this variant in disease. Therefore, it has been classified as a Variant of Uncertain Significance.

JKU Lab, Dept of Paediatrics, Johannes Kepler University
Classification: Likely pathogenic for Hypophosphatasia. Last evaluated: 2022-01-27. Review status: criteria provided, single submitter. Criteria: ACMG Classification. Collection method: clinical testing. Allele origin: germline. Affected: yes. Observed: 1 compound heterozygote.
Comment: This variant is absent from large population studies. The REVEL score is 0.841. Functional studies performed at the JKU Hoegler lab showed reduced ALPL activity. ACMG Criteria used for classification: PS3_mod, PM2_sup, PP2_sup, PP3_sup, PP4_sup.

Institute of Human Genetics, University of Leipzig Medical Center
Classification: Uncertain significance for Adult hypophosphatasia. Last evaluated: 2017-11-07. Review status: criteria provided, single submitter. Criteria: ACMG Guidelines, 2015. Collection method: clinical testing. Allele origin: germline. Affected: yes. Observed: 1 variant allele.

Literature cited by the submitters: PubMed 39685776 (cited by Genomenon, Inc); PubMed 40386289 (cited by Genomenon, Inc).

NM_000478.6(ALPL):c.1331A>G (p.Gln444Arg)

Gene: ALPL (alkaline phosphatase, biomineralization associated; plus strand). Cytogenetic location: 1p36.12.
Variant type: single nucleotide variant.
Coding change: c.1331A>G on transcript NM_000478.6 (MANE Select); coding-DNA position 1331, A replaced by G.
Protein change: p.Gln444Arg; replaces glutamine 444 with arginine.
Molecular consequence: missense variant.
Genome position (GRCh38, 1-based): chr1:21,577,404, A>G. VCF-style: chr1-21577404-A-G. GRCh37 (hg19) VCF-style: chr1-21903897-A-G.
Other names: c.1166A>G, p.Gln389Arg (NM_001127501.4); c.1100A>G, p.Gln367Arg (NM_001177520.3); c.1331A>G, p.Gln444Arg (NM_001369803.2, NM_001369804.2, NM_001369805.2); short protein forms Q367R, Q389R, Q444R.
Identifiers: ClinVar variation 976385 (VCV000976385.5), dbSNP rs1644752699, ClinGen allele CA338881977.